The following is an entry in ClinVar:

ClinVar aggregate classification (germline): Uncertain significance (1 of 4 stars; one submission).

Allele frequency attached by ClinVar (database versions not stated): ExAC 0.00002; gnomAD 0.00003; ESP Exome Variant Server 0.00008.
gnomAD v4.1: 28 of 1,614,002 alleles (0.0017%); highest among the groups gnomAD compares: African/African-American, 0.012%; no homozygotes.

Submission:

Labcorp Genetics (formerly Invitae), Labcorp
Classification: Uncertain significance. Last evaluated: 2024-09-29. Review status: criteria provided, single submitter. Criteria: Invitae Variant Classification Sherloc (09022015). Collection method: clinical testing. Allele origin: germline.
Comment: This sequence change replaces alanine, which is neutral and non-polar, with valine, which is neutral and non-polar, at codon 780 of the SIN3A protein (p.Ala780Val). This variant is present in population databases (rs369396162, gnomAD 0.01%). This variant has not been reported in the literature in individuals affected with SIN3A-related conditions. ClinVar contains an entry for this variant (Variation ID: 1904313). Invitae Evidence Modeling of protein sequence and biophysical properties (such as structural, functional, and spatial information, amino acid conservation, physicochemical variation, residue mobility, and thermodynamic stability) indicates that this missense variant is not expected to disrupt SIN3A protein function with a negative predictive value of 80%. In summary, the available evidence is currently insufficient to determine the role of this variant in disease. Therefore, it has been classified as a Variant of Uncertain Significance.

NM_001145358.2(SIN3A):c.2339C>T (p.Ala780Val)

Gene: SIN3A (SIN3 transcription regulator family member A; minus strand). Cytogenetic location: 15q24.2.
Variant type: single nucleotide variant.
Coding change: c.2339C>T on transcript NM_001145358.2 (MANE Select); coding-DNA position 2339, C replaced by T.
Protein change: p.Ala780Val; replaces alanine 780 with valine.
Molecular consequence: missense variant.
Genome position (GRCh38, 1-based): chr15:75,392,754, G>A on the plus strand (C>T on the coding strand, the complement: SIN3A is on the minus strand). VCF-style: chr15-75392754-G-A. GRCh37 (hg19) VCF-style: chr15-75685095-G-A.
Other names: c.2339C>T, p.Ala780Val (NM_001145357.2, NM_015477.3); short protein forms A780V.
Identifiers: ClinVar variation 1904313 (VCV001904313.5), dbSNP rs369396162, ClinGen allele CA7667460.